The following is an entry in ClinVar:

ClinVar aggregate classification (germline): Likely pathogenic. Review status: criteria provided, multiple submitters, no conflicts (2 of 4 stars). 2 submissions from 2 submitters: Likely pathogenic (2). Last evaluated 2026-04-22.

Conditions:
Mucopolysaccharidosis, MPS-II (MPS2). Also called: IDS deficiency; Sulfoiduronate sulfatase deficiency; SIDS deficiency; Mucopolysaccharidosis type 2; Mucopolysaccharidosis with skin involvement; Attenuated MPS (subtype; formerly known as mild MPS II). Identifiers: Orphanet 580, Orphanet 79388, MedGen C0026705, MONDO:0010674, OMIM 309900.

Submissions (2):

Myriad Genetics, Inc.
Classification: Likely pathogenic for Mucopolysaccharidosis, MPS-II. Last evaluated: 2026-04-22. Review status: criteria provided, single submitter. Criteria: Myriad Autosomal Dominant, Autosomal Recessive and X-Linked Classification Criteria (2023). Collection method: clinical testing. Allele origin: unknown.
Comment: NM_000202.5(IDS):c.1472C>T(S491F) is a missense variant classified as likely pathogenic in the context of mucopolysaccharidosis type II. S491F has been observed in cases with relevant disease (PMID: 10220152, 21291454, 37974184). Relevant functional assessments of this variant are not available in the literature. Internal structural analysis of the variant is supportive of pathogenicity. S491F has not been observed in referenced population frequency databases. In summary, NM_000202.5(IDS):c.1472C>T(S491F) is a missense variant that has internal structural support for pathogenicity and has been observed more frequently in cases with the relevant disease than in healthy populations. Please note: this variant was assessed in the context of healthy population screening.

Laboratory of Diagnosis and Therapy of Lysosomal Disorders, University of Padova
Classification: Likely pathogenic for Mucopolysaccharidosis, MPS-II. Last evaluated: 2024-06-07. Review status: criteria provided, single submitter. Criteria: ACMG Guidelines, 2015. Collection method: literature only. Allele origin: germline. Affected: yes. Observed: 2 variant alleles.
Comment: Absent from controls (or at low frequency) in gnomAD database (PM2_Moderate), Missense variant in a gene with a low rate of benign missense variation (PP2_Supporting), Multiple lines of computational evidence support a deleterious effect (PP3_Supporting), Patient’s phenotype or family history highly specific for the disease (PP4_Moderate)

Classification method: ACMG Guidelines [PMID:25741868] with modifications

Literature cited by the submitters: PubMed 10220152 (cited by Myriad Genetics, Inc. and Laboratory of Diagnosis and Therapy of Lysosomal Disorders, University of Padova); PubMed 21291454 (cited by Myriad Genetics, Inc. and Laboratory of Diagnosis and Therapy of Lysosomal Disorders, University of Padova); PubMed 37974184 (cited by Myriad Genetics, Inc.).

NM_000202.8(IDS):c.1472C>T (p.Ser491Phe)

Gene: IDS (iduronate 2-sulfatase; minus strand). Cytogenetic location: Xq28.
Variant type: single nucleotide variant.
Coding change: c.1472C>T on transcript NM_000202.8 (MANE Select); coding-DNA position 1472, C replaced by T.
Protein change: p.Ser491Phe; replaces serine 491 with phenylalanine.
Molecular consequence: missense variant.
Genome position (GRCh38, 1-based): chrX:149,482,927, G>A on the plus strand (C>T on the coding strand, the complement: IDS is on the minus strand). VCF-style: chrX-149482927-G-A. GRCh37 (hg19) VCF-style: chrX-148564458-G-A.
Other names: c.1202C>T, p.Ser401Phe (NM_001166550.4); short protein forms S401F, S491F.
Identifiers: ClinVar variation 3256072 (VCV003256072.3).